The following is an entry in ClinVar:

NM_020191.4(MRPS22):c.649-126C>A

Gene: MRPS22 (mitochondrial ribosomal protein S22; plus strand). Cytogenetic location: 3q23.
Variant type: single nucleotide variant.
Coding change: c.649-126C>A on transcript NM_020191.4 (MANE Select); 126 bases into the intron before coding-DNA position 649, C replaced by A.
Molecular consequence: intron variant.
Genome position (GRCh38, 1-based): chr3:139,350,851, C>A. VCF-style: chr3-139350851-C-A. GRCh37 (hg19) VCF-style: chr3-139069693-C-A.
Other names: c.646-126C>A (NM_001363893.1); c.526-126C>A (NM_001363857.1).
Identifiers: ClinVar variation 676318 (VCV000676318.2), dbSNP rs17316181, ClinGen allele CA83994694.

ClinVar aggregate classification (germline): Benign. Review status: criteria provided, multiple submitters, no conflicts (2 of 4 stars). 2 submissions from 2 submitters: Benign (2). Last evaluated 2018-06-19.

Allele frequency attached by ClinVar (database versions not stated): 1000 Genomes Project 0.06010; 1000 Genomes Project 30x 0.06090; TOPMed 0.06733; gnomAD 0.07556 and 0.07557.
gnomAD v4.1: 61,921 of 778,228 alleles (8%); highest among the groups gnomAD compares: Middle Eastern, 12%; 2,740 homozygotes.

Submissions (2):

GeneDx
Classification: Benign. Last evaluated: 2018-06-19. Review status: criteria provided, single submitter. Criteria: GeneDx Variant Classification (06012015). Collection method: clinical testing. Allele origin: germline. Affected: yes.
Comment: This variant is considered likely benign or benign based on one or more of the following criteria: it is a conservative change, it occurs at a poorly conserved position in the protein, it is predicted to be benign by multiple in silico algorithms, and/or has population frequency not consistent with disease.

Breakthrough Genomics
Classification: Benign. Review status: criteria provided, single submitter. Criteria: ACMG Guidelines, 2015. Collection method: not provided. Allele origin: germline. Inheritance: Autosomal recessive inheritance. Affected: yes.